The following is an entry in ClinVar:

NM_002539.3(ODC1):c.768C>A (p.Asn256Lys)

Gene: ODC1 (ornithine decarboxylase 1; minus strand). Cytogenetic location: 2p25.1.
Variant type: single nucleotide variant.
Coding change: c.768C>A on transcript NM_002539.3 (MANE Select); coding-DNA position 768, C replaced by A.
Protein change: p.Asn256Lys; replaces asparagine 256 with lysine.
Molecular consequence: missense variant.
Genome position (GRCh38, 1-based): chr2:10,442,157, G>T on the plus strand (C>A on the coding strand, the complement: ODC1 is on the minus strand). VCF-style: chr2-10442157-G-T. GRCh37 (hg19) VCF-style: chr2-10582283-G-T.
Other names: c.381C>A, p.Asn127Lys (NM_001287188.2); c.768C>A, p.Asn256Lys (NM_001287189.2, NM_001287190.2); short protein forms N127K, N256K.
Identifiers: ClinVar variation 4881912 (VCV004881912.2).

ClinVar aggregate classification (germline): Uncertain significance (1 of 4 stars; one submission).

Conditions:
Neurodevelopmental disorder with alopecia and brain abnormalities. Also called: Bachmann-Bupp syndrome; Global developmental delay-alopecia-macrocephaly-facial dysmorphism-structural brain anomalies syndrome. Identifiers: Orphanet 544488, MedGen C5436741, MONDO:0033642, OMIM 619075.

Submission:

Dasa
Classification: Uncertain significance for Neurodevelopmental disorder with alopecia and brain abnormalities. Last evaluated: 2025-08-19. Review status: criteria provided, single submitter. Criteria: DASA Assertion Criteria. Collection method: clinical testing. Allele origin: germline.
Comment: NM_002539.3(ODC1):c.768C>A (p.Asn256Lys) is a missense variant that results in the substitution of asparagine with lysine. This variant is rare in population databases. Computational prediction algorithms are consistent with a benign effect. The currently available literature and clinical evidence are not sufficient to establish a definitive association between this variant and the reported condition. Therefore, this variant is classified as a variant of uncertain significance.